The following is an entry in ClinVar:

ClinVar aggregate classification (germline): Pathogenic/Likely pathogenic. Review status: criteria provided, multiple submitters, no conflicts (2 of 4 stars). 5 submissions from 5 submitters: Pathogenic (3); Likely pathogenic (2). Last evaluated 2025-02-07.

Conditions:
Inborn genetic diseases. Identifiers: MedGen C0950123, MeSH D030342.

Allele frequency attached by ClinVar (database versions not stated): gnomAD 0.00001.
gnomAD v4.1: 1 of 1,612,608 alleles (0.000062%); highest among the groups gnomAD compares: African/African-American, 0.0013%; no homozygotes.

Submissions (5):

Dasa
Classification: Likely pathogenic. Last evaluated: 2025-02-07. Review status: criteria provided, single submitter. Criteria: DASA Assertion Criteria. Collection method: clinical testing. Allele origin: germline.
Comment: NM_004380.3(CREBBP):c.5356C>T (p.Arg1786Cys) is a missense variant that results in the substitution of arginine with cysteine. The affected residue or protein region has prior evidence supporting clinical relevance. This variant has been reported in individuals with CREBBP-related disorders. Also, this variant is rare in population databases. Computational evidence supports a deleterious effect. Based on the currently available evidence, this variant is classified as likely pathogenic.

CeGaT Center for Human Genetics Tuebingen
Classification: Pathogenic. Last evaluated: 2025-01-01. Review status: criteria provided, single submitter. Criteria: CeGaT Center For Human Genetics Tuebingen Variant Classification Criteria Version 2. Collection method: clinical testing. Allele origin: germline. Affected: yes. Observed: 4 variant alleles.
Comment: CREBBP: PS2, PM1, PM2, PM5, PP2, PP3, PS4:Supporting

GeneDx
Classification: Pathogenic. Last evaluated: 2024-11-13. Review status: criteria provided, single submitter. Criteria: GeneDx Variant Classification Process June 2021. Collection method: clinical testing. Allele origin: germline. Affected: yes.
Comment: Not observed in large population cohorts (gnomAD); In silico analysis supports that this missense variant has a deleterious effect on protein structure/function; Has not been previously published as pathogenic or benign to our knowledge; This variant is associated with the following publications: (PMID: 27311832)

Laboratory of Molecular Genetics (Pr. Bezieau's lab), CHU de Nantes
Classification: Pathogenic. Last evaluated: 2019-02-13. Review status: criteria provided, single submitter. Criteria: ACMG Guidelines, 2015. Collection method: clinical testing. Allele origin: germline. Affected: yes.

Ambry Genetics
Classification: Likely pathogenic for Inborn genetic diseases. Last evaluated: 2017-07-20. Review status: criteria provided, single submitter. Criteria: Ambry exome assertion method (8-5-2015). Collection method: clinical testing. Allele origin: germline. Affected: yes. Observed: 1 variant allele.

Literature cited by the submitters: PubMed 19651603 (cited by Ambry Genetics).

NM_004380.3(CREBBP):c.5356C>T (p.Arg1786Cys)

Gene: CREBBP (CREB binding lysine acetyltransferase; minus strand). Cytogenetic location: 16p13.3.
Variant type: single nucleotide variant.
Coding change: c.5356C>T on transcript NM_004380.3 (MANE Select); coding-DNA position 5356, C replaced by T.
Protein change: p.Arg1786Cys; replaces arginine 1786 with cysteine.
Molecular consequence: missense variant.
Genome position (GRCh38, 1-based): chr16:3,729,691, G>A on the plus strand (C>T on the coding strand, the complement: CREBBP is on the minus strand). VCF-style: chr16-3729691-G-A. GRCh37 (hg19) VCF-style: chr16-3779692-G-A.
Other names: c.5242C>T, p.Arg1748Cys (NM_001079846.1); short protein forms R1786C, R1748C.
Identifiers: ClinVar variation 521902 (VCV000521902.54), dbSNP rs1555471394, ClinGen allele CA394557062.
Genomic context (GRCh38, chr16:3,729,691, plus strand): 5'-TGGTGTGCTGCACCACCCGCTTCATCTTCTGGCAGGATGGCAGCGAGCAGTTGGCGTTGC[G>A]GCACTGGCACGCGTGCACCAGCGACTGGATGCAGCGCTGGATGCTCAGCCGGCGTGACTC-3'
Protein context (NP_004371.2, residues 1776-1796): IQSLVHACQC[Arg1786Cys]NANCSLPSCQ